The following is an entry in ClinVar:

ClinVar aggregate classification (germline): Uncertain significance (1 of 4 stars; one submission).

Conditions:
Glycogen storage disease, type II (IOPD). Also called: GLYCOGENOSIS, GENERALIZED, CARDIAC FORM; GSD II; Glucosidase acid-1,4-alpha deficiency; Pompe Disease; Glycogen storage disease type 2; Acid maltase deficiency disease. Identifiers: Orphanet 365, MedGen C0017921, MONDO:0009290, OMIM 232300.

Submission:

Labcorp Genetics (formerly Invitae), Labcorp
Classification: Uncertain significance for Glycogen storage disease, type II. Last evaluated: 2024-11-18. Review status: criteria provided, single submitter. Criteria: Invitae Variant Classification Sherloc (09022015). Collection method: clinical testing. Allele origin: germline.
Comment: This sequence change replaces isoleucine, which is neutral and non-polar, with threonine, which is neutral and polar, at codon 798 of the GAA protein (p.Ile798Thr). This variant is not present in population databases (gnomAD no frequency). This variant has not been reported in the literature in individuals affected with GAA-related conditions. Invitae Evidence Modeling of protein sequence and biophysical properties (such as structural, functional, and spatial information, amino acid conservation, physicochemical variation, residue mobility, and thermodynamic stability) indicates that this missense variant is not expected to disrupt GAA protein function with a negative predictive value of 95%. In summary, the available evidence is currently insufficient to determine the role of this variant in disease. Therefore, it has been classified as a Variant of Uncertain Significance.

NM_000152.5(GAA):c.2393T>C (p.Ile798Thr)

Gene: GAA (alpha glucosidase; plus strand). Cytogenetic location: 17q25.3.
Variant type: single nucleotide variant.
Coding change: c.2393T>C on transcript NM_000152.5 (MANE Select); coding-DNA position 2393, T replaced by C.
Protein change: p.Ile798Thr; replaces isoleucine 798 with threonine.
Molecular consequence: missense variant.
Genome position (GRCh38, 1-based): chr17:80,117,661, T>C. VCF-style: chr17-80117661-T-C. GRCh37 (hg19) VCF-style: chr17-78091460-T-C.
Other names: c.2393T>C, p.Ile798Thr (NM_001079803.3, NM_001079804.3, NM_001406741.1 and 1 more transcripts); short protein forms I798T.
Identifiers: ClinVar variation 3650293 (VCV003650293.2).